The following is an entry in ClinVar:

NM_005560.6(LAMA5):c.5958C>T (p.Pro1986=)

Gene: LAMA5 (laminin subunit alpha 5; minus strand). Cytogenetic location: 20q13.33.
Variant type: single nucleotide variant.
Coding change: c.5958C>T on transcript NM_005560.6 (MANE Select); coding-DNA position 5958, C replaced by T.
Protein change: p.Pro1986=; no amino-acid change (proline 1986 retained).
Molecular consequence: synonymous variant.
Genome position (GRCh38, 1-based): chr20:62,323,562, G>A on the plus strand (C>T on the coding strand, the complement: LAMA5 is on the minus strand). VCF-style: chr20-62323562-G-A. GRCh37 (hg19) VCF-style: chr20-60898618-G-A.
Identifiers: ClinVar variation 3036121 (VCV003036121.4), dbSNP rs775728976, ClinGen allele CA9941953.

ClinVar aggregate classification (germline): Likely benign. Review status: criteria provided, single submitter (1 of 4 stars). 2 submissions from 2 submitters: Likely benign (1). 1 of the submissions does not count toward it. Last evaluated 2024-04-29.

Conditions:
LAMA5-related disorder. Also called: LAMA5-Related Disorders; LAMA5-related condition.

Allele frequency attached by ClinVar (database versions not stated): gnomAD exomes 0.00003; gnomAD 0.00005; TOPMed 0.00009; ExAC 0.00022.
gnomAD v4.1: 47 of 1,602,258 alleles (0.0029%); highest among the groups gnomAD compares: East Asian, 0.1%; no homozygotes.

Submissions (2):

Labcorp Genetics (formerly Invitae), Labcorp
Classification: Likely benign. Last evaluated: 2024-04-29. Review status: criteria provided, single submitter. Criteria: Invitae Variant Classification Sherloc (09022015). Collection method: clinical testing. Allele origin: germline.

PreventionGenetics, part of Exact Sciences
Classification: Likely benign for LAMA5-related condition. Last evaluated: 2022-03-03. Review status: no assertion criteria provided. Collection method: clinical testing. Allele origin: germline. Not counted in ClinVar's aggregate classification.
Comment: This variant is classified as likely benign based on ACMG/AMP sequence variant interpretation guidelines (Richards et al. 2015 PMID: 25741868, with internal and published modifications).